The following is an entry in ClinVar:

NM_014363.6(SACS):c.8844del (p.Ile2949fs)

Gene: SACS (sacsin molecular chaperone; minus strand). Cytogenetic location: 13q12.12.
Variant type: Deletion.
Coding change: c.8844del on transcript NM_014363.6 (MANE Select); coding-DNA position 8844, one base deleted (T; older notation c.8844delT).
Protein change: p.Ile2949fs; shifts the reading frame from isoleucine 2949.
Molecular consequence: frameshift variant.
Genome position (GRCh38, 1-based): chr13:23,335,032, A deleted on the plus strand (T on the coding strand, the reverse complement: SACS is on the minus strand). VCF-style (leftmost placement, unchanged base first): chr13-23335031-TA-T. GRCh37 (hg19) VCF-style: chr13-23909170-TA-T.
Other names: p.Ile2949Phefs*4; c.8403del, p.Ile2802fs (NM_001278055.2); c.8844del (NM_014363.4); short protein forms I2802fs, I2949fs.
Identifiers: ClinVar variation 5512 (VCV000005512.38), dbSNP rs281865117, ClinGen allele CA340432.

ClinVar aggregate classification (germline): Pathogenic. Review status: criteria provided, multiple submitters, no conflicts (2 of 4 stars). 16 submissions from 16 submitters: Pathogenic (13). 3 of the submissions do not count toward it. Last evaluated 2026-09-11.

Conditions:
SACS-related disorder. Also called: SACS-related condition.
Spastic paraplegia. Identifiers: MedGen C0037772, HP:0001258.
Hereditary spastic paraplegia. Also called: Familial spastic paraparesis. Identifiers: Orphanet 685, MedGen C0037773, MONDO:0019064. Disease mechanism: loss of function.
Charlevoix-Saguenay spastic ataxia (SACS). Also called: AUTOSOMAL RECESSIVE SPASTIC ATAXIA OF CHARLEVOIX-SAGUENAY; SPASTIC ATAXIA 6, AUTOSOMAL RECESSIVE; Spastic ataxia of Charlevoix-Saguenay. Identifiers: Orphanet 98, MedGen C1849140, MONDO:0010041, OMIM 270550.

Allele frequency attached by ClinVar (database versions not stated): gnomAD 0.00001; TOPMed 0.00001; ExAC 0.00005; gnomAD exomes 0.00006 and 0.00007.

Submissions (16):

GeneDx
Classification: Pathogenic. Last evaluated: 2026-09-11. Review status: criteria provided, single submitter. Criteria: GeneDx Variant Classification Process June 2021. Collection method: clinical testing. Allele origin: germline.
Comment: Frameshift variant predicted to result in abnormal protein length as the last 1631 amino acids are replaced with 3 different amino acids, and other similar variants have been reported in HGMD; Not observed at significant frequency in large population cohorts (gnomAD); This variant is associated with the following publications: (PMID: 36126381, 26693535, 23913799, 23250129, 33910931, 35933016, 35008978, 34649874, 10655055, 34649570, 35469466, 34121011, 36576926, 30158165, 30901567, 38022457, 41172993)

Natera, Inc.
Classification: Pathogenic for Charlevoix-Saguenay type spastic ataxia. Last evaluated: 2025-11-03. Review status: criteria provided, single submitter. Criteria: Natera Variant Classification Schema (03/2026). Collection method: clinical testing. Allele origin: germline.
Comment: The c.8844delT variant in SACS is a frameshift variant predicted to shift the reading frame beginning at codon 2949 and leads to a stop codon 4 codons downstream. This variant is expected to result in nonsense mediated decay, truncation, or a dysfunctional protein product. This variant is rare in the general population with a frequency below the threshold expected for the associated phenotype(s). This variant has been observed in one or more individuals affected with the associated recessive disease, as either homozygous or compound heterozygous with a second variant (PMID: 30901567). Given the available evidence, this variant is classified as Pathogenic.

Labcorp Genetics (formerly Invitae), Labcorp
Classification: Pathogenic for Spastic paraplegia. Last evaluated: 2025-02-13. Review status: criteria provided, single submitter. Criteria: Invitae Variant Classification Sherloc (09022015). Collection method: clinical testing. Allele origin: germline.
Comment: This sequence change creates a premature translational stop signal (p.Ile2949Phefs*4) in the SACS gene. While this is not anticipated to result in nonsense mediated decay, it is expected to disrupt the last 1631 amino acid(s) of the SACS protein. This variant is present in population databases (rs281865117, gnomAD 0.01%). This premature translational stop signal has been observed in individuals with spastic ataxia of Charlevoix-Saguenay (ARSACS) (PMID: 10655055, 11788093). It is commonly reported in individuals of Quebec ancestry (PMID: 10655055, 11788093). This variant is also known as g.6594delT. ClinVar contains an entry for this variant (Variation ID: 5512). Algorithms developed to predict the effect of variants on gene product structure and function are not available or were not evaluated for this variant. Experimental studies have shown that this premature translational stop signal affects SACS function (PMID: 22307627). For these reasons, this variant has been classified as Pathogenic.

Blueprint Genetics
Classification: Pathogenic for SACS-related disorders. Last evaluated: 2024-08-23. Review status: criteria provided, single submitter. Criteria: ACMG Guidelines, 2015. Collection method: clinical testing. Allele origin: germline. Affected: yes. Observed: 5 variant alleles.

Fulgent Genetics
Classification: Pathogenic for Charlevoix-Saguenay spastic ataxia. Last evaluated: 2024-06-12. Review status: criteria provided, single submitter. Criteria: ACMG Guidelines, 2015. Collection method: clinical testing. Allele origin: germline.

Baylor Genetics
Classification: Pathogenic for Charlevoix-Saguenay spastic ataxia. Last evaluated: 2024-03-18. Review status: criteria provided, single submitter. Criteria: ACMG Guidelines, 2015. Collection method: clinical testing. Allele origin: unknown.

Mayo Clinic Laboratories, Mayo Clinic
Classification: Pathogenic. Last evaluated: 2023-09-18. Review status: criteria provided, single submitter. Criteria: ACMG Guidelines, 2015. Collection method: clinical testing. Allele origin: germline. Observed: 1 variant allele.
Comment: PM1, PS4, PVS1_strong

PROSPAX: an integrated multimodal progression  chart in spastic ataxias, Center for Neurology; Hertie-Institute for Clinical Brain Research
Classification: Pathogenic for Charlevoix-Saguenay spastic ataxia. Last evaluated: 2022-01-01. Review status: criteria provided, single submitter. Criteria: ACMG Guidelines, 2015. Collection method: research. Allele origin: germline. Affected: yes. Observed: 45 variant alleles, 13 compound heterozygotes, 32 homozygotes.

Genome-Nilou Lab
Classification: Pathogenic for Charlevoix-Saguenay spastic ataxia. Last evaluated: 2021-09-05. Review status: criteria provided, single submitter. Criteria: ACMG Guidelines, 2015. Collection method: clinical testing. Allele origin: germline. Affected: no.

Revvity Omics, Revvity
Classification: Pathogenic for Charlevoix-Saguenay spastic ataxia. Last evaluated: 2020-10-22. Review status: criteria provided, single submitter. Criteria: ACMG Guidelines, 2015. Collection method: clinical testing. Allele origin: germline.

Myriad Genetics, Inc.
Classification: Pathogenic for Charlevoix-Saguenay spastic ataxia. Last evaluated: 2019-12-11. Review status: criteria provided, single submitter. Criteria: Myriad Women's Health Autosomal Recessive and X-Linked Classification Criteria (2019). Collection method: clinical testing. Allele origin: unknown.
Comment: NM_014363.4(SACS):c.8844delT(I2949Ffs*4, aka 6594delT) is classified as pathogenic in the context of autosomal recessive spastic ataxia of Charlevoix-Saguenay. Sources cited for classification include the following: PMID 10655055, 11788093 and 23250129. Classification of NM_014363.4(SACS):c.8844delT(I2949Ffs*4, aka 6594delT) is based on the following criteria: The variant causes a premature termination codon that is not expected to be targeted by nonsense-mediated mRNA decay; however literature evidence supports pathogenicity. Please note: this variant was assessed in the context of healthy population screening.

Women's Health and Genetics/Laboratory Corporation of America, LabCorp
Classification: Pathogenic for Spastic ataxia Charlevoix-Saguenay type. Last evaluated: 2017-10-16. Review status: criteria provided, single submitter. Criteria: LabCorp Variant Classification Summary - May 2015. Collection method: clinical testing. Allele origin: germline.
Comment: Variant summary: The SACS c.8844delT (p.Ile2949PhefsX4) variant results in a premature termination codon, predicted to cause a truncated or absent SACS protein due to nonsense mediated decay, which are commonly known mechanisms for disease. The lack of the of sacsin protein was confirmed by Western blott performed on immortalized lymphoblasts extracted from homozygous carriers. Truncations downstream of this position have been classified as pathogenic by our laboratory (e.g.c.11374C>T/p.Arg3792X). This variant was found in 17/276618 control chromosomes at a frequency of 0.0000615, which does not exceed the estimated maximal expected allele frequency of a pathogenic SACS variant (0.0079057). This variant appears to be a founder mutation in French-Canadian ARSACS patients (Thiffaul_2013). In addition, multiple clinical diagnostic laboratories/reputable databases classified this variant as pathogenic. Taken together, this variant is classified as pathogenic.

Genome Diagnostics Laboratory, The Hospital for Sick Children
Classification: Pathogenic for Hereditary spastic paraplegia. Last evaluated: 2017-04-18. Review status: criteria provided, single submitter. Criteria: ACMG Guidelines, 2015. Collection method: clinical testing. Allele origin: germline. Affected: yes.

PreventionGenetics, part of Exact Sciences
Classification: Pathogenic for SACS-related condition. Last evaluated: 2024-03-27. Review status: no assertion criteria provided. Collection method: clinical testing. Allele origin: germline. Not counted in ClinVar's aggregate classification.
Comment: The SACS c.8844delT variant is predicted to result in a frameshift and premature protein termination (p.Ile2949Phefs*4). This variant had been reported in the homozygous and compound heterozygous state in several individuals with autosomal recessive spastic ataxia of Charlevoix-Saguenay (ARSACS) and represents a founder variant associated with the Charlevoix-Saguenay-Lac-Saint-Jean region of Quebec (annotated as g.6594delT, Engert et al. 2000. PubMed ID: 10655055). This variant is reported in 0.012% of alleles in individuals of European (Non-Finnish) descent in gnomAD. Frameshift variants in SACS are expected to be pathogenic. This variant is interpreted as pathogenic.

OMIM
Classification: Pathogenic for SPASTIC ATAXIA, CHARLEVOIX-SAGUENAY TYPE. Last evaluated: 2004-01-13. Review status: no assertion criteria provided. Collection method: literature only. Allele origin: germline. Not counted in ClinVar's aggregate classification.

GeneReviews
No classification provided. Condition: Charlevoix-Saguenay spastic ataxia. Review status: no classification provided. Collection method: literature only. Allele origin: germline. Not counted in ClinVar's aggregate classification.

Literature cited by the submitters: PubMed 30901567 (cited by Natera, Inc.); PubMed 10655055 (cited by 4 submitters); PubMed 11788093 (cited by 4 submitters); PubMed 22307627 (cited by Labcorp Genetics (formerly Invitae), Labcorp); PubMed 23250129 (cited by 3 submitters); PubMed 8472930 (cited by Mayo Clinic Laboratories, Mayo Clinic); PubMed 28658401 (cited by Women's Health and Genetics/Laboratory Corporation of America, LabCorp); PubMed 10610707 (cited by OMIM); PubMed 14718706 (cited by OMIM); PubMed 20301432 (cited by GeneReviews).